The following is an entry in ClinVar:

ClinVar aggregate classification (germline): Uncertain significance. Review status: criteria provided, multiple submitters, no conflicts (2 of 4 stars). 2 submissions from 2 submitters: Uncertain significance (2). Last evaluated 2026-06-11.

Conditions:
Spondylocostal dysostosis 5 (SCDO5). Also called: SCOLIOSIS, CONGENITAL, WITH OR WITHOUT RIB ANOMALIES. Identifiers: MedGen C4083048, MONDO:0007389, OMIM 122600.
Fetal anomalies with a likely genetic cause.

Allele frequency attached by ClinVar (database versions not stated): TOPMed below 0.00001; gnomAD exomes 0.00001; gnomAD 0.00001.
gnomAD v4.1: 10 of 1,613,664 alleles (0.00062%); highest among the groups gnomAD compares: Non-Finnish European, 0.00085%; no homozygotes.

Submissions (2):

Genetics Laboratory, Great Ormond Street Hospital NHS Foundation Trust, North Thames Genomic Laboratory Hub
Classification: Uncertain significance for Fetal anomalies with a likely genetic cause. Last evaluated: 2026-06-11. Review status: criteria provided, single submitter. Criteria: ACGS Best Practice Guidelines for Variant Classification in Rare Disease 2024 v1.2. Collection method: clinical testing. Allele origin: germline. Affected: yes.
Comment: PVS1_very-strong

Laboratorio de Genetica e Diagnostico Molecular, Hospital Israelita Albert Einstein
Classification: Uncertain significance for Spondylocostal dysostosis 5. Last evaluated: 2022-04-14. Review status: criteria provided, single submitter. Criteria: ACMG Guidelines, 2015. Collection method: clinical testing. Allele origin: germline. Affected: yes. Observed: 1 variant allele.
Comment: ACMG classification criteria: PM2 moderated

NM_004608.4(TBX6):c.373C>T (p.Arg125Ter)

Gene: TBX6 (T-box transcription factor 6; minus strand). Cytogenetic location: 16p11.2.
Variant type: single nucleotide variant.
Coding change: c.373C>T on transcript NM_004608.4 (MANE Select); coding-DNA position 373, C replaced by T.
Protein change: p.Arg125Ter; replaces arginine 125 with a stop codon.
Molecular consequence: nonsense.
Genome position (GRCh38, 1-based): chr16:30,089,191, G>A on the plus strand (C>T on the coding strand, the complement: TBX6 is on the minus strand). VCF-style: chr16-30089191-G-A. GRCh37 (hg19) VCF-style: chr16-30100512-G-A.
Other names: short protein forms R125*.
Identifiers: ClinVar variation 2431421 (VCV002431421.2), dbSNP rs994246265, ClinGen allele CA280431522.